The following is an entry in ClinVar:

ClinVar aggregate classification (germline): Uncertain significance. Review status: criteria provided, multiple submitters, no conflicts (2 of 4 stars). 3 submissions from 3 submitters: Uncertain significance (3). Last evaluated 2026-02-03.

Conditions:
Hereditary cancer-predisposing syndrome. Also called: Hereditary Cancer Syndrome; Hereditary neoplastic syndrome; Neoplastic Syndromes, Hereditary; Tumor predisposition. Identifiers: Orphanet 140162, MedGen C0027672, MeSH D009386, MONDO:0015356.
Familial cancer of breast. Also called: BREAST CANCER, FAMILIAL; Hereditary breast cancer; hereditary breast carcinoma. Identifiers: Orphanet 227535, MedGen C0346153, MONDO:0016419, OMIM 114480. Disease mechanism: loss of function.

Submissions (3):

Labcorp Genetics (formerly Invitae), Labcorp
Classification: Uncertain significance for Familial cancer of breast. Last evaluated: 2026-02-03. Review status: criteria provided, single submitter. Criteria: Invitae Variant Classification Sherloc (09022015). Collection method: clinical testing. Allele origin: germline.
Comment: This variant, c.420_422del, results in the deletion of 1 amino acid(s) of the BARD1 protein (p.Lys140del), but otherwise preserves the integrity of the reading frame. This variant is not present in population databases (gnomAD no frequency). This variant has not been reported in the literature in individuals affected with BARD1-related conditions. ClinVar contains an entry for this variant (Variation ID: 406733). In summary, the available evidence is currently insufficient to determine the role of this variant in disease. Therefore, it has been classified as a Variant of Uncertain Significance.

Ambry Genetics
Classification: Uncertain significance for Hereditary cancer-predisposing syndrome. Last evaluated: 2025-03-18. Review status: criteria provided, single submitter. Criteria: Ambry Variant Classification Scheme 2023. Collection method: clinical testing. Allele origin: germline.
Comment: The c.420_422delGAA variant (also known as p.K140del) is located in coding exon 4 of the BARD1 gene. This variant results from an in-frame GAA deletion at nucleotide positions 420 to 422. This results in the in-frame deletion of a lysine at codon 140. This amino acid position is well conserved in available vertebrate species. In addition, the in silico prediction for this alteration is inconclusive (Choi Y et al. PLoS ONE. 2012; 7(10):e46688). Based on the available evidence, the clinical significance of this variant remains unclear.

Color Diagnostics, LLC DBA Color Health
Classification: Uncertain significance for Hereditary cancer-predisposing syndrome. Last evaluated: 2019-04-30. Review status: criteria provided, single submitter. Criteria: ACMG Guidelines, 2015. Collection method: clinical testing. Allele origin: germline.

NM_000465.4(BARD1):c.417GAA[1] (p.Lys140del)

Gene: BARD1 (BRCA1 associated RING domain 1; minus strand). Cytogenetic location: 2q35.
Variant type: Microsatellite.
Coding change: c.417GAA[1] on transcript NM_000465.4 (MANE Select); one copy of the 3-base unit GAA starting at c.417; the reference has two copies in a row; one copy, 3 bases deleted; also written c.420_422del.
Protein change: p.Lys140del; deletes lysine 140.
Molecular consequence: inframe deletion. On other transcripts: non-coding transcript variant (2), intron variant (3).
Genome position (GRCh38, 1-based): chr2:214,781,452-214,781,454, TTC deleted on the plus strand (GAA on the coding strand, the reverse complement: BARD1 is on the minus strand); deleting any 3 consecutive bases within chr2:214,781,452-214,781,459 gives the same sequence; the position shown is the placement nearest the transcript's 3' end. VCF-style (leftmost placement, unchanged base first): chr2-214781451-ATTC-A. GRCh37 (hg19) VCF-style: chr2-215646175-ATTC-A.
Other names: c.420_422del (NM_000465.4, NM_000465.3); c.360GAA[1], p.Lys121del (NM_001282543.2); c.158+27958_158+27960del (NM_001282548.2); c.215+15607_215+15609del (NM_001282545.2); c.364+10843_364+10845del (NM_001282549.2); short protein forms K140del, K121del.
Identifiers: ClinVar variation 406733 (VCV000406733.17), dbSNP rs1060501278, ClinGen allele CA16610597.